The following is an entry in ClinVar:

ClinVar aggregate classification (germline): Conflicting classifications of pathogenicity. Review status: criteria provided, conflicting classifications (1 of 4 stars). 6 submissions from 6 submitters: Uncertain significance (1); Likely benign (4). 1 of the submissions does not count toward it. Last evaluated 2026-01-14.

Conditions:
TSPEAR-related disorder. Also called: TSPEAR-related condition.

Allele frequency attached by ClinVar (database versions not stated): 1000 Genomes Project 30x 0.00109; 1000 Genomes Project 0.00120; gnomAD 0.00129 and 0.00130; gnomAD exomes 0.00174 and 0.00105; ESP Exome Variant Server 0.00100; ExAC 0.00102; TOPMed 0.00107.
gnomAD v4.1: 2,666 of 1,593,350 alleles (0.17%); highest among the groups gnomAD compares: Non-Finnish European, 0.21%; 3 homozygotes.

Submissions (6):

Labcorp Genetics (formerly Invitae), Labcorp
Classification: Likely benign. Last evaluated: 2026-01-14. Review status: criteria provided, single submitter. Criteria: Invitae Variant Classification Sherloc (09022015). Collection method: clinical testing. Allele origin: germline.

Blueprint Genetics
Classification: Likely benign. Last evaluated: 2024-11-25. Review status: criteria provided, single submitter. Criteria: ACMG Guidelines, 2015. Collection method: clinical testing. Allele origin: germline.

GeneDx
Classification: Likely benign. Last evaluated: 2020-11-04. Review status: criteria provided, single submitter. Criteria: GeneDx Variant Classification Process June 2021. Collection method: clinical testing. Allele origin: germline. Affected: yes.

Eurofins Ntd Llc (ga)
Classification: Uncertain significance. Last evaluated: 2017-12-20. Review status: criteria provided, single submitter. Criteria: EGL Classification Definitions 2015. Collection method: clinical testing. Allele origin: germline. Observed: 1 variant allele, 1 heterozygote.

Laboratory for Molecular Medicine, Mass General Brigham Personalized Medicine
Classification: Likely benign. Last evaluated: 2015-10-04. Review status: criteria provided, single submitter. Criteria: LMM Criteria. Collection method: clinical testing. Allele origin: germline. Observed: 1 variant allele.
Comment: p.Val51Ile in exon 2 of TSPEAR: This variant is not expected to have clinical si gnificance due to a lack of conservation across species, including mammals. Of n ote, 6 mammals have an isoleucine (Ile) at this position. In addition, computati onal prediction tools do not suggest a high likelihood of impact to the protein. Furthermore, this variant has been identified in 0.15% (97/65584) of European c hromosomes by the Exome Aggregation Consortium (ExAC .org; dbSNP rs150016894).

PreventionGenetics, part of Exact Sciences
Classification: Likely benign for TSPEAR-related condition. Last evaluated: 2024-01-16. Review status: no assertion criteria provided. Collection method: clinical testing. Allele origin: germline. Not counted in ClinVar's aggregate classification.
Comment: This variant is classified as likely benign based on ACMG/AMP sequence variant interpretation guidelines (Richards et al. 2015 PMID: 25741868, with internal and published modifications).

NM_144991.3(TSPEAR):c.151G>A (p.Val51Ile)

Gene: TSPEAR (thrombospondin type laminin G domain and EAR repeats; minus strand). Cytogenetic location: 21q22.3.
Variant type: single nucleotide variant.
Coding change: c.151G>A on transcript NM_144991.3 (MANE Select); coding-DNA position 151, G replaced by A.
Protein change: p.Val51Ile; replaces valine 51 with isoleucine.
Molecular consequence: missense variant. On other transcripts: 5 prime UTR variant (1).
Genome position (GRCh38, 1-based): chr21:44,567,937, C>T on the plus strand (G>A on the coding strand, the complement: TSPEAR is on the minus strand). VCF-style: chr21-44567937-C-T. GRCh37 (hg19) VCF-style: chr21-45987821-C-T.
Other names: c.-54G>A (NM_001272037.2); short protein forms V51I.
Identifiers: ClinVar variation 228047 (VCV000228047.22), dbSNP rs150016894, ClinGen allele CA10058077.